The following is an entry in ClinVar:

ClinVar aggregate classification (germline): Uncertain significance (1 of 4 stars; one submission).

Conditions:
Glanzmann thrombasthenia. Also called: BLEEDING DISORDER, PLATELET-TYPE, 2; THROMBASTHENIA OF GLANZMANN AND NAEGELI; PLATELET GLYCOPROTEIN IIb-IIIa DEFICIENCY; Glanzmann's thrombasthenia; Thrombasthenia. Identifiers: Orphanet 849, MedGen C0040015, MONDO:0100326.

Allele frequency attached by ClinVar (database versions not stated): gnomAD exomes below 0.00001.
gnomAD v4.1: 1 of 1,614,184 alleles (0.000062%); highest among the groups gnomAD compares: Admixed American, 0.0017%; no homozygotes.

Submission:

Labcorp Genetics (formerly Invitae), Labcorp
Classification: Uncertain significance for Glanzmann thrombasthenia. Last evaluated: 2023-07-17. Review status: criteria provided, single submitter. Criteria: Invitae Variant Classification Sherloc (09022015). Collection method: clinical testing. Allele origin: germline.
Comment: This sequence change replaces alanine, which is neutral and non-polar, with threonine, which is neutral and polar, at codon 31 of the ITGA2B protein (p.Ala31Thr). This variant is not present in population databases (gnomAD no frequency). This variant has not been reported in the literature in individuals affected with ITGA2B-related conditions. Advanced modeling of protein sequence and biophysical properties (such as structural, functional, and spatial information, amino acid conservation, physicochemical variation, residue mobility, and thermodynamic stability) performed at Invitae indicates that this missense variant is not expected to disrupt ITGA2B protein function. In summary, the available evidence is currently insufficient to determine the role of this variant in disease. Therefore, it has been classified as a Variant of Uncertain Significance.

NM_000419.5(ITGA2B):c.91G>A (p.Ala31Thr)

Gene: ITGA2B (integrin subunit alpha 2b; minus strand). Cytogenetic location: 17q21.31.
Variant type: single nucleotide variant.
Coding change: c.91G>A on transcript NM_000419.5 (MANE Select); coding-DNA position 91, G replaced by A.
Protein change: p.Ala31Thr; replaces alanine 31 with threonine.
Molecular consequence: missense variant.
Genome position (GRCh38, 1-based): chr17:44,389,383, C>T on the plus strand (G>A on the coding strand, the complement: ITGA2B is on the minus strand). VCF-style: chr17-44389383-C-T. GRCh37 (hg19) VCF-style: chr17-42466751-C-T.
Other names: short protein forms A31T.
Identifiers: ClinVar variation 3018958 (VCV003018958.3), dbSNP rs1005880342, ClinGen allele CA290958506.